The following is an entry in ClinVar:

ClinVar aggregate classification (germline): Uncertain significance (1 of 4 stars; one submission).

Submission:

CeGaT Center for Human Genetics Tuebingen
Classification: Uncertain significance. Last evaluated: 2024-09-01. Review status: criteria provided, single submitter. Criteria: CeGaT Center For Human Genetics Tuebingen Variant Classification Criteria Version 2. Collection method: clinical testing. Allele origin: germline. Affected: yes. Observed: 1 variant allele.
Comment: MYOZ1: PM2

NM_021245.4(MYOZ1):c.617T>C (p.Leu206Pro)

Gene: MYOZ1 (myozenin 1; minus strand). Cytogenetic location: 10q22.2.
Variant type: single nucleotide variant.
Coding change: c.617T>C on transcript NM_021245.4 (MANE Select); coding-DNA position 617, T replaced by C.
Protein change: p.Leu206Pro; replaces leucine 206 with proline.
Molecular consequence: missense variant.
Genome position (GRCh38, 1-based): chr10:73,633,951, A>G on the plus strand (T>C on the coding strand, the complement: MYOZ1 is on the minus strand). VCF-style: chr10-73633951-A-G. GRCh37 (hg19) VCF-style: chr10-75393709-A-G.
Other names: short protein forms L206P.
Identifiers: ClinVar variation 3389216 (VCV003389216.14).